The following is an entry in ClinVar:

NM_000059.4(BRCA2):c.8375T>G (p.Leu2792Arg)

Gene: BRCA2 (BRCA2 DNA repair associated; plus strand). Cytogenetic location: 13q13.1.
Variant type: single nucleotide variant.
Coding change: c.8375T>G on transcript NM_000059.4 (MANE Select); coding-DNA position 8375, T replaced by G.
Protein change: p.Leu2792Arg; replaces leucine 2792 with arginine.
Molecular consequence: missense variant.
Genome position (GRCh38, 1-based): chr13:32,370,445, T>G. VCF-style: chr13-32370445-T-G. GRCh37 (hg19) VCF-style: chr13-32944582-T-G.
Other names: NM_000059.4(BRCA2):c.8375T>G; p.Leu2792Arg; short protein forms L2792R.
Identifiers: ClinVar variation 481525 (VCV000481525.16), dbSNP rs28897751, ClinGen allele CA387752450.
Genomic context (GRCh38, chr13:32,370,445, plus strand): 5'-TTTATTAATTTGTCCAGATTTCTGCTAACAGTACTCGGCCTGCTCGCTGGTATACCAAAC[T>G]TGGATTCTTTCCTGACCCTAGACCTTTTCCTCTGCCCTTATCATCGCTTTTCAGTGATGG-3'
Protein context (NP_000050.3, residues 2782-2802): STRPARWYTK[Leu2792Arg]GFFPDPRPFP

ClinVar aggregate classification (germline): Likely pathogenic. Review status: reviewed by expert panel (3 of 4 stars). 3 submissions from 3 submitters: Likely pathogenic (1). 2 of the submissions do not count toward it. Last evaluated 2026-01-04.

Conditions:
Hereditary cancer-predisposing syndrome. Also called: Neoplastic Syndromes, Hereditary; Tumor predisposition; Hereditary Cancer Syndrome; Hereditary neoplastic syndrome. Identifiers: Orphanet 140162, MedGen C0027672, MeSH D009386, MONDO:0015356.
Hereditary breast ovarian cancer syndrome. Also called: Hereditary breast and ovarian cancer syndrome; Hereditary breast and ovarian cancer; Hereditary breast and ovarian cancer syndrome (HBOC); Breast and ovarian cancer; Hereditary breast and/or ovarian cancer syndrome; BRCA1- and BRCA2-Associated Hereditary Breast and Ovarian Cancer. Identifiers: Orphanet 145, MedGen C0677776, MeSH D061325, MONDO:0003582. Disease mechanism: loss of function.
BRCA2-related cancer predisposition. Identifiers: MedGen CN377758, MONDO:0700269.

Submissions (3):

ClinGen ENIGMA BRCA1 and BRCA2 Variant Curation Expert Panel, ClinGen
Classification: Likely pathogenic for BRCA2-related cancer predisposition. Last evaluated: 2026-01-04. Review status: reviewed by expert panel. Criteria: CSpec BRCA12ACMG Rules Specifications V1.1. Collection method: curation. Allele origin: germline. Inheritance: Autosomal dominant inheritance.
Comment: The c.8375T>G variant in BRCA2 is a missense variant predicted to cause substitution of leucine by arginine at amino acid 2792 (p.Leu2792Arg). This variant is absent from gnomAD v2.1 (exomes only, non-cancer subset, read depth ≥25) and gnomAD v3.1 (non-cancer subset, read depth ≥25). This BRCA2 missense variant is within a key functional domain and the computational predictor BayesDel (noAF) gives a score of 0.53, above the recommended threshold of 0.30 for prediction of impact on BRCA2 function via protein change. A SpliceAI score of 0.01 predicts no impact on splicing (score threshold ≤0.1). Reported by three calibrated studies to exhibit protein function similar to pathogenic control variants (PMIDs:38417439, 39779857, 39779848) (PS3 met). Multifactorial likelihood ratio analysis using clinically calibrated data produced a combined LR for this variant of 1.3 (based on Family History LR=1.3), which is above the ENIGMA BRCA1/2 VCEP threshold for BP5 (>0.48) and below PP4 (<2.08) (BP5 and PP4 not met; PMID: 31853058). In summary, this variant meets the criteria to be classified as a likely pathogenic variant for BRCA2-related cancer predisposition based on the ACMG/AMP criteria applied as specified by the ENIGMA BRCA1/2 VCEP (PM2_supporting, PP3, PS3).

Ambry Genetics
Classification: Likely pathogenic for Hereditary cancer-predisposing syndrome. Last evaluated: 2024-09-24. Review status: criteria provided, single submitter. Criteria: Ambry Variant Classification Scheme 2023. Collection method: clinical testing. Allele origin: germline. Not counted in ClinVar's aggregate classification.
Comment: The p.L2792R variant (also known as c.8375T>G), located in coding exon 18 of the BRCA2 gene, results from a T to G substitution at nucleotide position 8375. The leucine at codon 2792 is replaced by arginine, an amino acid with dissimilar properties. This variant was non-functional in homology-directed DNA repair (HDR) assays (Richardson ME et al. Am J Hum Genet, 2021 Mar;108:458-468; Guo Q et al. J Hum Genet, 2023 Dec;68:849-857). This variant is considered to be rare based on population cohorts in the Genome Aggregation Database (gnomAD). This amino acid position is highly conserved in available vertebrate species. In addition, this alteration is predicted to be deleterious by in silico analysis. Based on the majority of available evidence to date, this variant is likely to be pathogenic.

Labcorp Genetics (formerly Invitae), Labcorp
Classification: Uncertain significance for Hereditary breast ovarian cancer syndrome. Last evaluated: 2022-03-03. Review status: criteria provided, single submitter. Criteria: Invitae Variant Classification Sherloc (09022015). Collection method: clinical testing. Allele origin: germline. Not counted in ClinVar's aggregate classification.
Comment: In summary, the available evidence is currently insufficient to determine the role of this variant in disease. Therefore, it has been classified as a Variant of Uncertain Significance. Experimental studies have shown that this missense change affects BRCA2 function (PMID: 33609447). Advanced modeling of experimental studies (such as gene expression, population dynamics, functional pathways, and cell-cycle effects in cell culture) performed at Invitae indicates that this missense variant is expected to disrupt BRCA2 protein function. ClinVar contains an entry for this variant (Variation ID: 481525). This variant has not been reported in the literature in individuals affected with BRCA2-related conditions. This variant is not present in population databases (gnomAD no frequency). This sequence change replaces leucine, which is neutral and non-polar, with arginine, which is basic and polar, at codon 2792 of the BRCA2 protein (p.Leu2792Arg).

Literature cited by the submitters: PubMed 33609447 (cited by 3 submitters); PubMed 37731132 (cited by Ambry Genetics).